The following is an entry in ClinVar:

NM_006907.4(PYCR1):c.598C>G (p.Arg200Gly)

Gene: PYCR1 (pyrroline-5-carboxylate reductase 1; minus strand). Cytogenetic location: 17q25.3.
Variant type: single nucleotide variant.
Coding change: c.598C>G on transcript NM_006907.4 (MANE Select); coding-DNA position 598, C replaced by G.
Protein change: p.Arg200Gly; replaces arginine 200 with glycine.
Molecular consequence: missense variant. On other transcripts: intron variant (1).
Genome position (GRCh38, 1-based): chr17:81,934,688, G>C on the plus strand (C>G on the coding strand, the complement: PYCR1 is on the minus strand). VCF-style: chr17-81934688-G-C. GRCh37 (hg19) VCF-style: chr17-79892564-G-C.
Other names: c.598C>G, p.Arg200Gly (NM_001282280.2, NM_001330523.2, NM_153824.3); c.679C>G, p.Arg227Gly (NM_001282281.2); c.541-199C>G (NM_001282279.2); short protein forms R200G, R227G.
Identifiers: ClinVar variation 2004949 (VCV002004949.3), dbSNP rs778823558, ClinGen allele CA295137465.
Genomic context (GRCh38, chr17:81,934,688, plus strand): 5'-CCAGAGGGTCAGGAAACACACTGACCAGGAGGGCCTGGGCCCCGAGGCGGACTGCCAGGC[G>C]CCTTGGAAGTCCCATCTTCACACCCCCATCAGCCAGGGCATCCAGGGCTGTGAATGCCTG-3'
Protein context (NP_008838.2, residues 190-210): DGGVKMGLPR[Arg200Gly]LAVRLGAQAL

ClinVar aggregate classification (germline): Uncertain significance (1 of 4 stars; one submission).

gnomAD v4.1: 5 of 1,573,200 alleles (0.00032%); highest among the groups gnomAD compares: Non-Finnish European, 0.00043%; no homozygotes.

Submission:

Labcorp Genetics (formerly Invitae), Labcorp
Classification: Uncertain significance. Last evaluated: 2022-06-11. Review status: criteria provided, single submitter. Criteria: Invitae Variant Classification Sherloc (09022015). Collection method: clinical testing. Allele origin: germline.
Comment: This variant is present in population databases (no rsID available, gnomAD 0.007%). In summary, the available evidence is currently insufficient to determine the role of this variant in disease. Therefore, it has been classified as a Variant of Uncertain Significance. Algorithms developed to predict the effect of missense changes on protein structure and function (SIFT, PolyPhen-2, Align-GVGD) all suggest that this variant is likely to be tolerated. This variant has not been reported in the literature in individuals affected with PYCR1-related conditions. This sequence change replaces arginine, which is basic and polar, with glycine, which is neutral and non-polar, at codon 200 of the PYCR1 protein (p.Arg200Gly).